The following is an entry in ClinVar:

NM_021930.6(RINT1):c.575T>G (p.Val192Gly)

Gene: RINT1 (RAD50 interactor 1; plus strand). Cytogenetic location: 7q22.3.
Variant type: single nucleotide variant.
Coding change: c.575T>G on transcript NM_021930.6 (MANE Select); coding-DNA position 575, T replaced by G.
Protein change: p.Val192Gly; replaces valine 192 with glycine.
Molecular consequence: missense variant. On other transcripts: 5 prime UTR variant (2), non-coding transcript variant (1), intron variant (1).
Genome position (GRCh38, 1-based): chr7:105,546,969, T>G. VCF-style: chr7-105546969-T-G. GRCh37 (hg19) VCF-style: chr7-105187416-T-G.
Other names: c.341T>G, p.Val114Gly (NM_001346599.2); c.-445T>G (NM_001346600.2); c.-348T>G (NM_001346601.2); c.-27-3086T>G (NM_001346603.2); short protein forms V114G, V192G.
Identifiers: ClinVar variation 3314486 (VCV003314486.1).

ClinVar aggregate classification (germline): Uncertain significance (1 of 4 stars; one submission).

Submission:

Ambry Genetics
Classification: Uncertain significance. Last evaluated: 2024-06-19. Review status: criteria provided, single submitter. Criteria: Ambry Variant Classification Scheme 2023. Collection method: clinical testing. Allele origin: germline.
Comment: The p.V192G variant (also known as c.575T>G), located in coding exon 5 of the RINT1 gene, results from a T to G substitution at nucleotide position 575. The valine at codon 192 is replaced by glycine, an amino acid with dissimilar properties. This amino acid position is conserved. In addition, this alteration is predicted to be tolerated by in silico analysis. Based on the available evidence, the clinical significance of this variant remains unclear.